The following is an entry in ClinVar:

NM_000051.4(ATM):c.2495_2497delinsCTT (p.Arg832_Gly833delinsProTer)

Gene: ATM (ATM serine/threonine kinase; plus strand). Cytogenetic location: 11q22.3.
Variant type: Indel.
Coding change: c.2495_2497delinsCTT on transcript NM_000051.4 (MANE Select); coding-DNA positions 2495 to 2497, GTG replaced by CTT.
Protein change: p.Arg832_Gly833delinsProTer.
Molecular consequence: nonsense.
Genome position (GRCh38, 1-based): chr11:108,267,199-108,267,201, GTG replaced by CTT. VCF-style: chr11-108267199-GTG-CTT. GRCh37 (hg19) VCF-style: chr11-108137926-GTG-CTT.
Other names: c.2495_2497delinsCTT, p.Arg832_Gly833delinsProTer (NM_001351834.2).
Identifiers: ClinVar variation 3773512 (VCV003773512.1).

ClinVar aggregate classification (germline): Pathogenic (1 of 4 stars; one submission).

Conditions:
Familial cancer of breast. Also called: Hereditary breast cancer; BREAST CANCER, FAMILIAL; hereditary breast carcinoma. Identifiers: Orphanet 227535, MedGen C0346153, MONDO:0016419, OMIM 114480. Disease mechanism: loss of function.

Submission:

Myriad Genetics, Inc.
Classification: Pathogenic for Familial cancer of breast. Last evaluated: 2024-10-30. Review status: criteria provided, single submitter. Criteria: Myriad Autosomal Dominant, Autosomal Recessive and X-Linked Classification Criteria (2023). Collection method: clinical testing. Allele origin: unknown.
Comment: This variant is considered pathogenic. This variant creates a termination codon and is predicted to result in premature protein truncation.